The following is an entry in ClinVar:

ClinVar aggregate classification (germline): Uncertain significance (1 of 4 stars; one submission).

Allele frequency attached by ClinVar (database versions not stated): TOPMed below 0.00001; ExAC 0.00002; ESP Exome Variant Server 0.00008.
gnomAD v4.1: 10 of 1,614,196 alleles (0.00062%); highest among the groups gnomAD compares: South Asian, 0.0033%; no homozygotes.

Submission:

Labcorp Genetics (formerly Invitae), Labcorp
Classification: Uncertain significance. Last evaluated: 2022-08-08. Review status: criteria provided, single submitter. Criteria: Invitae Variant Classification Sherloc (09022015). Collection method: clinical testing. Allele origin: germline.
Comment: In summary, the available evidence is currently insufficient to determine the role of this variant in disease. Therefore, it has been classified as a Variant of Uncertain Significance. This variant has not been reported in the literature in individuals affected with LOXL3-related conditions. This variant is present in population databases (rs144775651, gnomAD 0.003%). This sequence change creates a premature translational stop signal (p.Arg589*) in the LOXL3 gene. It is expected to result in an absent or disrupted protein product. However, the current clinical and genetic evidence is not sufficient to establish whether loss-of-function variants in LOXL3 cause disease.

NM_032603.5(LOXL3):c.1765C>T (p.Arg589Ter)

Gene: LOXL3 (lysyl oxidase like 3; minus strand). Cytogenetic location: 2p13.1.
Variant type: single nucleotide variant.
Coding change: c.1765C>T on transcript NM_032603.5 (MANE Select); coding-DNA position 1765, C replaced by T.
Protein change: p.Arg589Ter; replaces arginine 589 with a stop codon.
Molecular consequence: nonsense.
Genome position (GRCh38, 1-based): chr2:74,534,589, G>A on the plus strand (C>T on the coding strand, the complement: LOXL3 is on the minus strand). VCF-style: chr2-74534589-G-A. GRCh37 (hg19) VCF-style: chr2-74761716-G-A.
Other names: c.1330C>T, p.Arg444Ter (NM_001289164.3); c.682C>T, p.Arg228Ter (NM_001289165.2); short protein forms R444*, R589*, R228*.
Identifiers: ClinVar variation 1921884 (VCV001921884.3), dbSNP rs144775651, ClinGen allele CA1728812.
Genomic context (GRCh38, chr2:74,534,589, plus strand): 5'-ACCCATGGCACTCGTGCCACACCCAGGAGTGGCGCCCAGCCTTGGGCCTGAAGTCAGCTC[G>A]TCCCAGGTTGTGGATCTGGGAGGAGAATCGGAGCAGACGCCGGTGACCATAGGGCCAGTT-3'